The following is an entry in ClinVar:

NM_001261826.3(AP3D1):c.593-18G>C

Gene: AP3D1 (adaptor related protein complex 3 subunit delta 1; minus strand). Cytogenetic location: 19p13.3.
Variant type: single nucleotide variant.
Coding change: c.593-18G>C on transcript NM_001261826.3 (MANE Select); 18 bases into the intron before coding-DNA position 593, G replaced by C.
Molecular consequence: intron variant.
Genome position (GRCh38, 1-based): chr19:2,129,475, C>G on the plus strand (G>C on the coding strand, the complement: AP3D1 is on the minus strand). VCF-style: chr19-2129475-C-G. GRCh37 (hg19) VCF-style: chr19-2129474-C-G.
Other names: c.593-18G>C (NM_003938.8, NM_001374799.1).
Identifiers: ClinVar variation 1273635 (VCV001273635.12), dbSNP rs758288, ClinGen allele CA9059650.
Genomic context (GRCh38, chr19:2,129,475, plus strand): 5'-CTGGCCAGCTCGCAGATGACATTGACGGCAGCCGACTGAACCCCTGGGGAACAAGGGGTT[C>G]TCATCAGCATGCCTGTCCTTCCACCTAGAAAACCATCCTACTGTCTTCCTGGCCCGCGAG-3'

ClinVar aggregate classification (germline): Benign/Likely benign. Review status: criteria provided, multiple submitters, no conflicts (2 of 4 stars). 5 submissions from 5 submitters: Benign (4); Likely benign (1). Last evaluated 2024-11-28.

Allele frequency attached by ClinVar (database versions not stated): ESP Exome Variant Server 0.06680; 1000 Genomes Project 30x 0.22814; 1000 Genomes Project 0.23223; TOPMed 0.30988.
gnomAD v4.1: 619,894 of 1,609,102 alleles (39%); highest among the groups gnomAD compares: Non-Finnish European, 42%; 125,146 homozygotes.

Submissions (5):

Blueprint Genetics
Classification: Likely benign. Last evaluated: 2024-11-28. Review status: criteria provided, single submitter. Criteria: ACMG Guidelines, 2015. Collection method: clinical testing. Allele origin: germline.

Labcorp Genetics (formerly Invitae), Labcorp
Classification: Benign. Last evaluated: 2024-09-05. Review status: criteria provided, single submitter. Criteria: Invitae Variant Classification Sherloc (09022015). Collection method: clinical testing. Allele origin: germline.

Unidad de Genómica Garrahan, Hospital de Pediatría Garrahan
Classification: Benign. Last evaluated: 2023-11-12. Review status: criteria provided, single submitter. Criteria: ACMG Guidelines, 2015. Collection method: clinical testing. Allele origin: germline. Affected: no. Observed: 50 variant alleles.
Comment: This variant is classified as Benign based on local population frequency. This variant was detected in 52% of patients studied by a panel of primary immunodeficiencies. Number of patients: 50. Only high quality variants are reported.

GeneDx
Classification: Benign. Last evaluated: 2018-11-10. Review status: criteria provided, single submitter. Criteria: GeneDx Variant Classification Process June 2021. Collection method: clinical testing. Allele origin: germline. Affected: yes.

Breakthrough Genomics
Classification: Benign. Review status: criteria provided, single submitter. Criteria: ACMG Guidelines, 2015. Collection method: not provided. Allele origin: germline. Inheritance: Autosomal recessive inheritance. Affected: yes.